The following is an entry in ClinVar:

ClinVar aggregate classification (germline): Uncertain significance (1 of 4 stars; one submission).

Conditions:
Idiopathic generalized epilepsy. Also called: EIG; Generalised epilepsy. Identifiers: MedGen C0270850, MONDO:0005579, OMIM 600669.
Hyperaldosteronism, familial, type IV (HALD4). Also called: FH IV; ALDOSTERONISM, PRIMARY, AND HYPERTENSION. Identifiers: Orphanet 642671, MedGen C4310756, MONDO:0014875, OMIM 617027.

gnomAD v4.1: 12 of 1,555,114 alleles (0.00077%); highest among the groups gnomAD compares: African/African-American, 0.0014%; no homozygotes.

Submission:

Labcorp Genetics (formerly Invitae), Labcorp
Classification: Uncertain significance for Idiopathic generalized epilepsy; Hyperaldosteronism, familial, type IV. Last evaluated: 2024-06-10. Review status: criteria provided, single submitter. Criteria: Invitae Variant Classification Sherloc (09022015). Collection method: clinical testing. Allele origin: germline.
Comment: This sequence change replaces valine, which is neutral and non-polar, with methionine, which is neutral and non-polar, at codon 1921 of the CACNA1H protein (p.Val1921Met). The frequency data for this variant in the population databases is considered unreliable, as metrics indicate poor data quality at this position in the gnomAD database. This variant has not been reported in the literature in individuals affected with CACNA1H-related conditions. Advanced modeling of protein sequence and biophysical properties (such as structural, functional, and spatial information, amino acid conservation, physicochemical variation, residue mobility, and thermodynamic stability) performed at Invitae indicates that this missense variant is not expected to disrupt CACNA1H protein function with a negative predictive value of 80%. In summary, the available evidence is currently insufficient to determine the role of this variant in disease. Therefore, it has been classified as a Variant of Uncertain Significance.

NM_021098.3(CACNA1H):c.5761G>A (p.Val1921Met)

Gene: CACNA1H (calcium voltage-gated channel subunit alpha1 H; plus strand). Cytogenetic location: 16p13.3.
Variant type: single nucleotide variant.
Coding change: c.5761G>A on transcript NM_021098.3 (MANE Select); coding-DNA position 5761, G replaced by A.
Protein change: p.Val1921Met; replaces valine 1921 with methionine.
Molecular consequence: missense variant.
Genome position (GRCh38, 1-based): chr16:1,218,525, G>A. VCF-style: chr16-1218525-G-A. GRCh37 (hg19) VCF-style: chr16-1268525-G-A.
Other names: c.5743G>A, p.Val1915Met (NM_001005407.2); short protein forms V1915M, V1921M.
Identifiers: ClinVar variation 3761152 (VCV003761152.2).